The following is an entry in ClinVar:

NM_004440.4(EPHA7):c.2424C>G (p.Ile808Met)

Gene: EPHA7 (EPH receptor A7; minus strand). Cytogenetic location: 6q16.1.
Variant type: single nucleotide variant.
Coding change: c.2424C>G on transcript NM_004440.4 (MANE Select); coding-DNA position 2424, C replaced by G.
Protein change: p.Ile808Met; replaces isoleucine 808 with methionine.
Molecular consequence: missense variant. On other transcripts: non-coding transcript variant (1).
Genome position (GRCh38, 1-based): chr6:93,254,755, G>C on the plus strand (C>G on the coding strand, the complement: EPHA7 is on the minus strand). VCF-style: chr6-93254755-G-C. GRCh37 (hg19) VCF-style: chr6-93964473-G-C.
Other names: c.2409C>G, p.Ile803Met (NM_001288629.2); c.2412C>G, p.Ile804Met (NM_001376465.1); c.2397C>G, p.Ile799Met (NM_001376466.1); c.2196C>G, p.Ile732Met (NM_001376470.1); short protein forms I732M, I799M, I803M, I804M, I808M.
Identifiers: ClinVar variation 4881224 (VCV004881224.2).

ClinVar aggregate classification (germline): Uncertain significance (1 of 4 stars; one submission).

Submission:

Dasa
Classification: Uncertain significance. Last evaluated: 2025-07-21. Review status: criteria provided, single submitter. Criteria: DASA Assertion Criteria. Collection method: clinical testing. Allele origin: germline.
Comment: NM_004440.4(EPHA7):c.2424C>G (p.Ile808Met) is a missense variant that results in the substitution of isoleucine with methionine. This variant is absent from population databases. Computational prediction algorithms are consistent with a deleterious effect. The currently available literature and clinical evidence are not sufficient to establish a definitive association between this variant and the reported condition. Therefore, this variant is classified as a variant of uncertain significance.